The following is an entry in ClinVar:

NM_001394062.1(MACF1):c.19547G>T (p.Ser6516Ile)

Gene: MACF1 (microtubule actin crosslinking factor 1; plus strand). Cytogenetic location: 1p34.3.
Variant type: single nucleotide variant.
Coding change: c.19547G>T on transcript NM_001394062.1 (MANE Select); coding-DNA position 19547, G replaced by T.
Protein change: p.Ser6516Ile; replaces serine 6516 with isoleucine.
Molecular consequence: missense variant.
Genome position (GRCh38, 1-based): chr1:39,444,777, G>T. VCF-style: chr1-39444777-G-T. GRCh37 (hg19) VCF-style: chr1-39910449-G-T.
Other names: c.7625G>T, p.Ser2542Ile (NM_001397473.1); c.13370G>T, p.Ser4457Ile (NM_012090.5); short protein forms S2542I, S4457I, S6516I.
Identifiers: ClinVar variation 3541820 (VCV003541820.3).

ClinVar aggregate classification (germline): Conflicting classifications of pathogenicity. Review status: criteria provided, conflicting classifications (1 of 4 stars). 2 submissions from 2 submitters: Uncertain significance (1); Likely benign (1). Last evaluated 2024-09-27.

Conditions:
Inborn genetic diseases. Identifiers: MedGen C0950123, MeSH D030342.

gnomAD v4.1: 17 of 1,613,826 alleles (0.0011%); highest among the groups gnomAD compares: Admixed American, 0.028%; no homozygotes.

Submissions (2):

Ambry Genetics
Classification: Likely benign for Inborn genetic diseases. Last evaluated: 2024-09-27. Review status: criteria provided, single submitter. Criteria: Ambry Variant Classification Scheme 2023. Collection method: clinical testing. Allele origin: germline.

Labcorp Genetics (formerly Invitae), Labcorp
Classification: Uncertain significance. Last evaluated: 2024-03-24. Review status: criteria provided, single submitter. Criteria: Invitae Variant Classification Sherloc (09022015). Collection method: clinical testing. Allele origin: germline.
Comment: This sequence change replaces serine, which is neutral and polar, with isoleucine, which is neutral and non-polar, at codon 4457 of the MACF1 protein (p.Ser4457Ile). This variant is present in population databases (rs779013648, gnomAD 0.04%). This variant has not been reported in the literature in individuals affected with MACF1-related conditions. An algorithm developed to predict the effect of missense changes on protein structure and function (PolyPhen-2) suggests that this variant is likely to be disruptive. In summary, the available evidence is currently insufficient to determine the role of this variant in disease. Therefore, it has been classified as a Variant of Uncertain Significance.